The following is an entry in ClinVar:

ClinVar aggregate classification (germline): Likely benign. Review status: criteria provided, multiple submitters, no conflicts (2 of 4 stars). 3 submissions from 3 submitters: Likely benign (3). Last evaluated 2026-01-21.

Conditions:
Frasier syndrome. Identifiers: Orphanet 347, MedGen C0950122, MeSH D052159, MONDO:0007635, OMIM 136680.
Drash syndrome (DDS). Also called: NEPHROPATHY, WILMS TUMOR, AND GENITAL ANOMALIES; WILMS TUMOR AND PSEUDO- OR TRUE HERMAPHRODITISM. Identifiers: Orphanet 220, MedGen C0950121, MONDO:0008682, OMIM 194080.
Wilms tumor 1 (WT1). Also called: Wilms tumor, somatic. Identifiers: Orphanet 654, MedGen CN033288, MONDO:0008679, OMIM 194070.
11p partial monosomy syndrome (WAGR). Also called: WAGR Spectrum Disorder; WAGR Complex; CHROMOSOME 11p13 DELETION SYNDROME; WAGR syndrome. Identifiers: Orphanet 893, MedGen C0206115, MONDO:0008681, OMIM 194072.
Inborn genetic diseases. Identifiers: MedGen C0950123, MeSH D030342.

Allele frequency attached by ClinVar (database versions not stated): gnomAD 0.00001.
gnomAD v4.1: 4 of 1,509,320 alleles (0.00027%); highest among the groups gnomAD compares: Non-Finnish European, 0.00035%; no homozygotes.

Submissions (3):

Labcorp Genetics (formerly Invitae), Labcorp
Classification: Likely benign for Wilms tumor 1; Drash syndrome; 11p partial monosomy syndrome; Frasier syndrome. Last evaluated: 2026-01-21. Review status: criteria provided, single submitter. Criteria: Invitae Variant Classification Sherloc (09022015). Collection method: clinical testing. Allele origin: germline.

CeGaT Center for Human Genetics Tuebingen
Classification: Likely benign. Last evaluated: 2025-08-01. Review status: criteria provided, single submitter. Criteria: CeGaT Center For Human Genetics Tuebingen Variant Classification Criteria Version 2. Collection method: clinical testing. Allele origin: germline. Affected: yes. Observed: 1 variant allele.
Comment: WT1: BP4, BP7

Ambry Genetics
Classification: Likely benign for Inborn genetic diseases. Last evaluated: 2025-02-14. Review status: criteria provided, single submitter. Criteria: Ambry Variant Classification Scheme 2023. Collection method: clinical testing. Allele origin: germline.

NM_024426.6(WT1):c.369G>C (p.Ser123=)

Genes: WT1 (WT1 transcription factor; minus strand), LOC107982234 (WT1/WT1-AS bi-directional promoter region; plus strand). Cytogenetic location: 11p13.
Variant type: single nucleotide variant.
Coding change: c.369G>C on transcript NM_024426.6 (MANE Select); coding-DNA position 369, G replaced by C.
Protein change: p.Ser123=; no amino-acid change (serine 123 retained).
Molecular consequence: synonymous variant. On other transcripts: non-coding transcript variant (1).
Genome position (GRCh38, 1-based): chr11:32,434,992, C>G on the plus strand (G>C on the coding strand, the complement: WT1 is on the minus strand). VCF-style: chr11-32434992-C-G. GRCh37 (hg19) VCF-style: chr11-32456538-C-G.
Other names: c.354G>C (NM_024426.4); c.369G>C, p.Ser123= (NM_000378.6, NM_024424.5).
Identifiers: ClinVar variation 1567350 (VCV001567350.17), dbSNP rs1485992444, ClinGen allele CA473773761.